The following is an entry in ClinVar:

ClinVar aggregate classification (germline): Uncertain significance (1 of 4 stars; one submission).

Submission:

GeneDx
Classification: Uncertain significance. Last evaluated: 2019-05-07. Review status: criteria provided, single submitter. Criteria: GeneDx Variant Classification Process June 2021. Collection method: clinical testing. Allele origin: germline. Affected: yes.
Comment: Not observed in large population cohorts (Lek et al., 2016); In silico analysis, which includes protein predictors and evolutionary conservation, supports that this variant does not alter protein structure/function; Has not been previously published as pathogenic or benign to our knowledge

NM_004415.4(DSP):c.866G>T (p.Cys289Phe)

Gene: DSP (desmoplakin; plus strand). Cytogenetic location: 6p24.3.
Variant type: single nucleotide variant.
Coding change: c.866G>T on transcript NM_004415.4 (MANE Select); coding-DNA position 866, G replaced by T.
Protein change: p.Cys289Phe; replaces cysteine 289 with phenylalanine.
Molecular consequence: missense variant.
Genome position (GRCh38, 1-based): chr6:7,565,447, G>T. VCF-style: chr6-7565447-G-T. GRCh37 (hg19) VCF-style: chr6-7565680-G-T.
Other names: p.C289F:TGC>TTC; c.866G>T, p.Cys289Phe (NM_001008844.3, NM_001319034.2); c.866G>T (LRG_423t1); short protein forms C289F.
Identifiers: ClinVar variation 199932 (VCV000199932.3), dbSNP rs794728153, ClinGen allele CA007776.